The following is an entry in ClinVar:

NM_003239.5(TGFB3):c.926+11del

Gene: TGFB3 (transforming growth factor beta 3; minus strand). Cytogenetic location: 14q24.3.
Variant type: Deletion.
Coding change: c.926+11del on transcript NM_003239.5 (MANE Select); 11 bases into the intron after coding-DNA position 926, one base deleted (G; older notation c.926+11delG).
Molecular consequence: intron variant. On other transcripts: 3 prime UTR variant (1).
Genome position (GRCh38, 1-based): chr14:75,963,305, C deleted on the plus strand (G on the coding strand, the reverse complement: TGFB3 is on the minus strand); the first of 3 consecutive C bases (chr14:75,963,305-75,963,307); deleting any one gives the same sequence. VCF-style (leftmost placement, unchanged base first): chr14-75963304-GC-G. GRCh37 (hg19) VCF-style: chr14-76429647-GC-G.
Other names: c.926+11delG (NM_003239.5); c.*7del (NM_001329938.2); c.926+11del (NM_001329939.2).
Identifiers: ClinVar variation 1605182 (VCV001605182.9), dbSNP rs2140238030, ClinGen allele CA2573150229.

ClinVar aggregate classification (germline): Likely benign. Review status: criteria provided, multiple submitters, no conflicts (2 of 4 stars). 2 submissions from 2 submitters: Likely benign (2). Last evaluated 2025-11-12.

Conditions:
Rienhoff syndrome. Also called: LOEYS-DIETZ SYNDROME 5. Identifiers: MedGen C3810012, MONDO:0014262, OMIM 615582.

Submissions (2):

Women's Health and Genetics/Laboratory Corporation of America, LabCorp
Classification: Likely benign. Last evaluated: 2025-11-12. Review status: criteria provided, single submitter. Criteria: LabCorp Variant Classification Summary - May 2015. Collection method: clinical testing. Allele origin: germline.
Comment: Variant summary: TGFB3 c.926+11delG alters a nucleotide located at a position not widely known to affect splicing. Consensus agreement among computation tools predict no significant impact on normal splicing. However, these predictions have yet to be confirmed by functional studies. The variant was absent in 251176 control chromosomes. The available data on variant occurrences in the general population are insufficient to allow any conclusion about variant significance. To our knowledge, no occurrence of c.926+11delG in individuals affected with TGFB3-related conditions and no experimental evidence demonstrating its impact on protein function have been reported. ClinVar contains an entry for this variant (Variation ID: 1605182). Based on the evidence outlined above, the variant was classified as likely benign.

Labcorp Genetics (formerly Invitae), Labcorp
Classification: Likely benign for Rienhoff syndrome. Last evaluated: 2022-08-09. Review status: criteria provided, single submitter. Criteria: Invitae Variant Classification Sherloc (09022015). Collection method: clinical testing. Allele origin: germline.